The following is an entry in ClinVar:

NM_024740.2(ALG9):c.1251G>A (p.Ser417=)

Gene: ALG9 (ALG9 alpha-1,2-mannosyltransferase; minus strand). Cytogenetic location: 11q23.1.
Variant type: single nucleotide variant.
Coding change: c.1251G>A on transcript NM_024740.2 (MANE Select); coding-DNA position 1251, G replaced by A.
Protein change: p.Ser417=; no amino-acid change (serine 417 retained).
Molecular consequence: synonymous variant. On other transcripts: non-coding transcript variant (1).
Genome position (GRCh38, 1-based): chr11:111,838,322, C>T on the plus strand (G>A on the coding strand, the complement: ALG9 is on the minus strand). VCF-style: chr11-111838322-C-T. GRCh37 (hg19) VCF-style: chr11-111709045-C-T.
Other names: c.1230G>A, p.Ser410= (NM_001077690.1, NM_001352417.1); c.738G>A, p.Ser246= (NM_001077691.2, NM_001352413.1, NM_001352414.2 and 1 more transcripts); c.717G>A, p.Ser239= (NM_001077692.2, NM_001352409.1, NM_001352410.1 and 6 more transcripts); c.1107G>A, p.Ser369= (NM_001352418.1); c.642G>A, p.Ser214= (NM_001352422.2); c.594G>A, p.Ser198= (NM_001352423.2).
Identifiers: ClinVar variation 444271 (VCV000444271.48), dbSNP rs782372397, ClinGen allele CA6274470.

ClinVar aggregate classification (germline): Conflicting classifications of pathogenicity. Review status: criteria provided, conflicting classifications (1 of 4 stars). 3 submissions from 3 submitters: Uncertain significance (1); Likely benign (1). 1 of the submissions does not count toward it. Last evaluated 2024-02-24.

Conditions:
ALG9 congenital disorder of glycosylation (CDG1L). Also called: CDG Il; CONGENITAL DISORDER OF GLYCOSYLATION, TYPE Il; ALG9-CDG. Identifiers: Orphanet 79328, MedGen C2931006, MONDO:0012117, OMIM 608776.
ALG9-related disorder. Also called: ALG9-related condition.

Allele frequency attached by ClinVar (database versions not stated): gnomAD 0.00001 and 0.00002; TOPMed 0.00001; gnomAD exomes 0.00002 and 0.00004; ExAC 0.00003.
gnomAD v4.1: 37 of 1,613,876 alleles (0.0023%); highest among the groups gnomAD compares: Middle Eastern, 0.049%; no homozygotes.

Submissions (3):

Labcorp Genetics (formerly Invitae), Labcorp
Classification: Likely benign for ALG9 congenital disorder of glycosylation. Last evaluated: 2024-02-24. Review status: criteria provided, single submitter. Criteria: Invitae Variant Classification Sherloc (09022015). Collection method: clinical testing. Allele origin: germline.

CeGaT Center for Human Genetics Tuebingen
Classification: Uncertain significance. Last evaluated: 2017-03-01. Review status: criteria provided, single submitter. Criteria: CeGaT Center For Human Genetics Tuebingen Variant Classification Criteria Version 2. Collection method: clinical testing. Allele origin: germline. Affected: yes. Observed: 1 variant allele.

PreventionGenetics, part of Exact Sciences
Classification: Likely benign for ALG9-related condition. Last evaluated: 2023-08-14. Review status: no assertion criteria provided. Collection method: clinical testing. Allele origin: germline. Not counted in ClinVar's aggregate classification.
Comment: This variant is classified as likely benign based on ACMG/AMP sequence variant interpretation guidelines (Richards et al. 2015 PMID: 25741868, with internal and published modifications).